The following is an entry in ClinVar:

ClinVar aggregate classification (germline): Uncertain significance (1 of 4 stars; one submission).

Submission:

Labcorp Genetics (formerly Invitae), Labcorp
Classification: Uncertain significance. Last evaluated: 2023-12-11. Review status: criteria provided, single submitter. Criteria: Invitae Variant Classification Sherloc (09022015). Collection method: clinical testing. Allele origin: germline.
Comment: This variant, c.2193_2240del, results in the deletion of 16 amino acid(s) of the REST protein (p.Met731_Gln746del), but otherwise preserves the integrity of the reading frame. This variant is present in population databases (no rsID available, gnomAD 0.007%). This variant has not been reported in the literature in individuals affected with REST-related conditions. ClinVar contains an entry for this variant (Variation ID: 1449612). Experimental studies and prediction algorithms are not available or were not evaluated, and the functional significance of this variant is currently unknown. In summary, the available evidence is currently insufficient to determine the role of this variant in disease. Therefore, it has been classified as a Variant of Uncertain Significance.

NM_005612.5(REST):c.2193_2240del (p.Met731_Gln746del)

Gene: REST (RE1 silencing transcription factor; plus strand). Cytogenetic location: 4q12.
Variant type: Deletion.
Coding change: c.2193_2240del on transcript NM_005612.5 (MANE Select); coding-DNA positions 2193 to 2240, 48 bases deleted.
Protein change: p.Met731_Gln746del.
Molecular consequence: inframe deletion. On other transcripts: inframe indel (2).
Genome position (GRCh38, 1-based): chr4:56,931,051-56,931,098, 48 bases deleted; deleting any 48 consecutive bases within chr4:56,931,023-56,931,098 gives the same sequence; the c. name uses the placement nearest the transcript's 3' end. GRCh37 (hg19): chr4:57,797,217-57,797,264.
Other names: c.2193_2240del48, p.Met731_Gln746del (NM_001193508.2, NM_001363453.3).
Identifiers: ClinVar variation 1449612 (VCV001449612.8), dbSNP rs1226393607, ClinGen allele CA552144870.